The following is an entry in ClinVar:

ClinVar aggregate classification (germline): Uncertain significance. Review status: criteria provided, multiple submitters, no conflicts (2 of 4 stars). 3 submissions from 3 submitters: Uncertain significance (3). Last evaluated 2025-09-22.

Conditions:
Inborn genetic diseases. Identifiers: MedGen C0950123, MeSH D030342.
Malignant hyperthermia, susceptibility to, 1 (MHS1). Also called: RYR1-Related Malignant Hyperthermia Susceptibility; Malignant hyperthermia suceptibility 1; Anesthesia related hyperthermia; Malignant hyperpyrexia; Fulminating hyperpyrexia; Pharmacogenic myopathy. Identifiers: Orphanet 423, MedGen C2930980, MONDO:0007783, OMIM 145600.

gnomAD v4.1: 6 of 1,614,214 alleles (0.00037%); highest among the groups gnomAD compares: Non-Finnish European, 0.00051%; no homozygotes.

Submissions (3):

Ambry Genetics
Classification: Uncertain significance for Inborn genetic diseases. Last evaluated: 2025-09-22. Review status: criteria provided, single submitter. Criteria: Ambry Variant Classification Scheme 2023. Collection method: clinical testing. Allele origin: germline.

GeneDx
Classification: Uncertain significance. Last evaluated: 2025-02-08. Review status: criteria provided, single submitter. Criteria: GeneDx Variant Classification Process June 2021. Collection method: clinical testing. Allele origin: germline. Affected: yes.
Comment: Not observed at significant frequency in large population cohorts (gnomAD); In silico analysis supports that this missense variant has a deleterious effect on protein structure/function; Has not been previously published as pathogenic or benign to our knowledge

Color Diagnostics, LLC DBA Color Health
Classification: Uncertain significance for Malignant hyperthermia, susceptibility to, 1. Last evaluated: 2024-03-06. Review status: criteria provided, single submitter. Criteria: ACMG Guidelines, 2015. Collection method: clinical testing. Allele origin: germline.
Comment: This missense variant replaces serine with phenylalanine at codon 1174 of the RYR1 protein. Computational prediction suggests that this variant may have deleterious impact on protein structure and function. To our knowledge, functional studies have not been reported for this variant. This variant has not been reported in individuals affected with RYR1-related disorders in the literature. This variant has not been identified in the general population by the Genome Aggregation Database (gnomAD). The available evidence is insufficient to determine the role of this variant in disease conclusively. Therefore, this variant is classified as a Variant of Uncertain Significance.

NM_000540.3(RYR1):c.3521C>T (p.Ser1174Phe)

Gene: RYR1 (ryanodine receptor 1; plus strand). Cytogenetic location: 19q13.2.
Variant type: single nucleotide variant.
Coding change: c.3521C>T on transcript NM_000540.3 (MANE Select); coding-DNA position 3521, C replaced by T.
Protein change: p.Ser1174Phe; replaces serine 1174 with phenylalanine.
Molecular consequence: missense variant.
Genome position (GRCh38, 1-based): chr19:38,469,105, C>T. VCF-style: chr19-38469105-C-T. GRCh37 (hg19) VCF-style: chr19-38959745-C-T.
Other names: c.3521C>T, p.Ser1174Phe (NM_001042723.2); short protein forms S1174F.
Identifiers: ClinVar variation 4074639 (VCV004074639.3).